The following is an entry in ClinVar:

ClinVar aggregate classification (germline): Uncertain significance (1 of 4 stars; one submission).

Submission:

Labcorp Genetics (formerly Invitae), Labcorp
Classification: Uncertain significance. Last evaluated: 2019-11-13. Review status: criteria provided, single submitter. Criteria: Invitae Variant Classification Sherloc (09022015). Collection method: clinical testing. Allele origin: germline.
Comment: Algorithms developed to predict the effect of missense changes on protein structure and function (SIFT, PolyPhen-2, Align-GVGD) all suggest that this variant is likely to be tolerated, but these predictions have not been confirmed by published functional studies and their clinical significance is uncertain. This variant has not been reported in the literature in individuals with FH-related disease. In summary, the available evidence is currently insufficient to determine the role of this variant in disease. Therefore, it has been classified as a Variant of Uncertain Significance. This variant is not present in population databases (ExAC no frequency). This sequence change replaces alanine with glycine at codon 494 of the FH protein (p.Ala494Gly). The alanine residue is weakly conserved and there is a small physicochemical difference between alanine and glycine.

NM_000143.4(FH):c.1481C>G (p.Ala494Gly)

Gene: FH (fumarate hydratase; minus strand). Cytogenetic location: 1q43.
Variant type: single nucleotide variant.
Coding change: c.1481C>G on transcript NM_000143.4 (MANE Select); coding-DNA position 1481, C replaced by G.
Protein change: p.Ala494Gly; replaces alanine 494 with glycine.
Molecular consequence: missense variant.
Genome position (GRCh38, 1-based): chr1:241,497,880, G>C on the plus strand (C>G on the coding strand, the complement: FH is on the minus strand). VCF-style: chr1-241497880-G-C. GRCh37 (hg19) VCF-style: chr1-241661180-G-C.
Other names: short protein forms A494G.
Identifiers: ClinVar variation 529818 (VCV000529818.11), dbSNP rs752369363, ClinGen allele CA345450421.